The following is an entry in ClinVar:

NM_018486.3(HDAC8):c.1063G>T (p.Asp355Tyr)

Gene: HDAC8 (histone deacetylase 8; minus strand). Cytogenetic location: Xq13.1.
Variant type: single nucleotide variant.
Coding change: c.1063G>T on transcript NM_018486.3 (MANE Select); coding-DNA position 1063, G replaced by T.
Protein change: p.Asp355Tyr; replaces aspartic acid 355 with tyrosine.
Molecular consequence: missense variant. On other transcripts: non-coding transcript variant (1).
Genome position (GRCh38, 1-based): chrX:72,351,781, C>A on the plus strand (G>T on the coding strand, the complement: HDAC8 is on the minus strand). VCF-style: chrX-72351781-C-A. GRCh37 (hg19) VCF-style: chrX-71571631-C-A.
Other names: c.790G>T, p.Asp264Tyr (NM_001166418.2, NM_001410728.1); c.1063G>T, p.Asp355Tyr (NM_001410725.1); c.985G>T, p.Asp329Tyr (NM_001410727.1); short protein forms D264Y, D329Y, D355Y.
Identifiers: ClinVar variation 3360857 (VCV003360857.1).

ClinVar aggregate classification (germline): Uncertain significance (1 of 4 stars; one submission).

Submission:

GeneDx
Classification: Uncertain significance. Last evaluated: 2023-07-07. Review status: criteria provided, single submitter. Criteria: GeneDx Variant Classification Process June 2021. Collection method: clinical testing. Allele origin: germline. Affected: yes.
Comment: Not observed at significant frequency in large population cohorts (gnomAD); In silico analysis supports that this missense variant has a deleterious effect on protein structure/function; Has not been previously published as pathogenic or benign to our knowledge